The following is an entry in ClinVar:

NM_014285.7(EXOSC2):c.854G>A (p.Arg285His)

Gene: EXOSC2 (exosome component 2; plus strand). Cytogenetic location: 9q34.12.
Variant type: single nucleotide variant.
Coding change: c.854G>A on transcript NM_014285.7 (MANE Select); coding-DNA position 854, G replaced by A.
Protein change: p.Arg285His; replaces arginine 285 with histidine.
Molecular consequence: missense variant. On other transcripts: non-coding transcript variant (1).
Genome position (GRCh38, 1-based): chr9:130,703,746, G>A. VCF-style: chr9-130703746-G-A. GRCh37 (hg19) VCF-style: chr9-133579133-G-A.
Other names: c.776G>A, p.Arg259His (NM_001282708.1); c.764G>A, p.Arg255His (NM_001282709.1); c.854G>A (NM_014285.6); short protein forms R255H, R259H, R285H.
Identifiers: ClinVar variation 1166948 (VCV001166948.13), dbSNP rs144576118, ClinGen allele CA5285007.

ClinVar aggregate classification (germline): Benign. Review status: criteria provided, multiple submitters, no conflicts (2 of 4 stars). 4 submissions from 4 submitters: Benign (4). Last evaluated 2026-05-01.

Conditions:
EXOSC2-related disorder. Also called: EXOSC2-related condition.

Allele frequency attached by ClinVar (database versions not stated): gnomAD exomes 0.00043 and 0.00109; ExAC 0.00125; 1000 Genomes Project 0.00339; 1000 Genomes Project 30x 0.00359; gnomAD 0.00386 and 0.00419; TOPMed 0.00419; ESP Exome Variant Server 0.00454.

Submissions (4):

CeGaT Center for Human Genetics Tuebingen
Classification: Benign. Last evaluated: 2026-05-01. Review status: criteria provided, single submitter. Criteria: CeGaT Center For Human Genetics Tuebingen Variant Classification Criteria Version 2. Collection method: clinical testing. Allele origin: germline. Affected: yes. Observed: 1 variant allele.
Comment: EXOSC2: BP4, BS1, BS2

Labcorp Genetics (formerly Invitae), Labcorp
Classification: Benign. Last evaluated: 2026-02-01. Review status: criteria provided, single submitter. Criteria: Invitae Variant Classification Sherloc (09022015). Collection method: clinical testing. Allele origin: germline.

PreventionGenetics, part of Exact Sciences
Classification: Benign for EXOSC2-related condition. Last evaluated: 2024-11-17. Review status: criteria provided, single submitter. Criteria: ACMG Guidelines, 2015. Collection method: clinical testing. Allele origin: germline.
Comment: This variant is classified as benign based on ACMG/AMP sequence variant interpretation guidelines (Richards et al. 2015 PMID: 25741868, with internal and published modifications).

Breakthrough Genomics
Classification: Benign. Review status: criteria provided, single submitter. Criteria: ACMG Guidelines, 2015. Collection method: not provided. Allele origin: germline. Inheritance: Autosomal recessive inheritance. Affected: yes.